The following is an entry in ClinVar:

NM_003238.6(TGFB2):c.598T>G (p.Ser200Ala)

Gene: TGFB2 (transforming growth factor beta 2; plus strand). Cytogenetic location: 1q41.
Variant type: single nucleotide variant.
Coding change: c.598T>G on transcript NM_003238.6 (MANE Select); coding-DNA position 598, T replaced by G.
Protein change: p.Ser200Ala; replaces serine 200 with alanine.
Molecular consequence: missense variant. On other transcripts: non-coding transcript variant (2).
Genome position (GRCh38, 1-based): chr1:218,434,169, T>G. VCF-style: chr1-218434169-T-G. GRCh37 (hg19) VCF-style: chr1-218607511-T-G.
Other names: c.682T>G, p.Ser228Ala (NM_001135599.4); c.598T>G (NM_003238.3); short protein forms S200A, S228A.
Identifiers: ClinVar variation 3017704 (VCV003017704.4), dbSNP rs2464864541, ClinGen allele CA344726609.

ClinVar aggregate classification (germline): Uncertain significance. Review status: criteria provided, multiple submitters, no conflicts (2 of 4 stars). 2 submissions from 2 submitters: Uncertain significance (2). Last evaluated 2024-07-27.

Conditions:
Familial thoracic aortic aneurysm and aortic dissection (TAAD). Also called: Thoracic aortic aneurysms and dissections. Identifiers: Orphanet 91387, MedGen C4707243, MONDO:0019625.
Loeys-Dietz syndrome 4 (LDS4). Also called: ANEURYSM, AORTIC AND CEREBRAL, WITH ARTERIAL TORTUOSITY AND SKELETAL MANIFESTATIONS; TGFB2-Related Loeys-Dietz Syndrome. Identifiers: MedGen C3553762, MONDO:0013897, OMIM 614816.

Allele frequency attached by ClinVar (database versions not stated): gnomAD exomes below 0.00001.
gnomAD v4.1: 1 of 1,614,210 alleles (0.000062%); highest among the groups gnomAD compares: Non-Finnish European, 0.000085%; no homozygotes.

Submissions (2):

Labcorp Genetics (formerly Invitae), Labcorp
Classification: Uncertain significance for Loeys-Dietz syndrome 4. Last evaluated: 2024-07-27. Review status: criteria provided, single submitter. Criteria: Invitae Variant Classification Sherloc (09022015). Collection method: clinical testing. Allele origin: germline.
Comment: This sequence change replaces serine, which is neutral and polar, with alanine, which is neutral and non-polar, at codon 200 of the TGFB2 protein (p.Ser200Ala). This variant is not present in population databases (gnomAD no frequency). This variant has not been reported in the literature in individuals affected with TGFB2-related conditions. Advanced modeling of protein sequence and biophysical properties (such as structural, functional, and spatial information, amino acid conservation, physicochemical variation, residue mobility, and thermodynamic stability) performed at Invitae indicates that this missense variant is not expected to disrupt TGFB2 protein function with a negative predictive value of 80%. In summary, the available evidence is currently insufficient to determine the role of this variant in disease. Therefore, it has been classified as a Variant of Uncertain Significance.

Ambry Genetics
Classification: Uncertain significance for Familial thoracic aortic aneurysm and aortic dissection. Last evaluated: 2024-07-11. Review status: criteria provided, single submitter. Criteria: Ambry Variant Classification Scheme 2023. Collection method: clinical testing. Allele origin: germline.
Comment: The p.S200A variant (also known as c.598T>G), located in coding exon 3 of the TGFB2 gene, results from a T to G substitution at nucleotide position 598. The serine at codon 200 is replaced by alanine, an amino acid with similar properties. This amino acid position is conserved. In addition, the in silico prediction for this alteration is inconclusive. Based on the available evidence, the clinical significance of this variant remains unclear.